The following is an entry in ClinVar:

NM_022455.5(NSD1):c.2615T>G (p.Leu872Ter)

Gene: NSD1 (nuclear receptor binding SET domain protein 1; plus strand). Cytogenetic location: 5q35.3.
Variant type: single nucleotide variant.
Coding change: c.2615T>G on transcript NM_022455.5 (MANE Select); coding-DNA position 2615, T replaced by G.
Protein change: p.Leu872Ter; replaces leucine 872 with a stop codon.
Molecular consequence: nonsense.
Genome position (GRCh38, 1-based): chr5:177,211,014, T>G. VCF-style: chr5-177211014-T-G. GRCh37 (hg19) VCF-style: chr5-176638015-T-G.
Other names: c.1742T>G, p.Leu581Ter (NM_001365684.2, NM_172349.5, NM_001409306.1 and 3 more transcripts); c.2615T>G, p.Leu872Ter (NM_001409301.1, NM_001409302.1, NM_001409303.1); c.2195T>G, p.Leu732Ter (NM_001409304.1); c.1862T>G, p.Leu621Ter (NM_001409305.1); short protein forms L603*, L872*, L581*, L621*, L732*.
Identifiers: ClinVar variation 816979 (VCV000816979.2), dbSNP rs1581321573, ClinGen allele CA362319180.

ClinVar aggregate classification (germline): Pathogenic. Review status: criteria provided, multiple submitters, no conflicts (2 of 4 stars). 2 submissions from 2 submitters: Pathogenic (2). Last evaluated 2022-11-22.

Conditions:
Neurodevelopmental disorder. Identifiers: MedGen C1535926, MeSH D065886, MONDO:0700092.

Submissions (2):

Laboratory of Molecular Genetics (Pr. Bezieau's lab), CHU de Nantes
Classification: Pathogenic for Neurodevelopmental disorder. Last evaluated: 2022-11-22. Review status: criteria provided, single submitter. Criteria: ACMG Guidelines, 2015. Collection method: clinical testing. Allele origin: germline. Affected: yes.

GeneDx
Classification: Pathogenic. Last evaluated: 2019-03-11. Review status: criteria provided, single submitter. Criteria: GeneDx Variant Classification (06012015). Collection method: clinical testing. Allele origin: germline. Affected: yes.
Comment: The L872X variant in the NSD1 gene has not been reported previously as a pathogenic variant nor as a benign variant, to our knowledge. This variant is predicted to cause loss of normal protein function either through protein truncation or nonsense-mediated mRNA decay. The L872X variant is not observed in large population cohorts (Lek et al., 2016). We interpret L872X as a pathogenic variant.